The following is an entry in ClinVar:

ClinVar aggregate classification (germline): Uncertain significance (1 of 4 stars; one submission).

Conditions:
Intellectual developmental disorder, X-linked, syndromic, with pigmentary mosaicism and coarse facies. Identifiers: MedGen C5561930, MONDO:0859080, OMIM 301066.

Submission:

Clinical Genomics Laboratory, Washington University in St. Louis
Classification: Uncertain significance for Intellectual developmental disorder, X-linked, syndromic, with pigmentary mosaicism and coarse facies. Last evaluated: 2025-10-29. Review status: criteria provided, single submitter. Criteria: ACMG Guidelines, 2015. Collection method: clinical testing. Allele origin: germline.
Comment: The TFE c.333_335del (p.Ser112del) variant, to our knowledge, has not been reported in the medical literature. This variant is absent from the general population (gnomAD v2.1.1), indicating it is not a common variant. This variant is predicted to cause a change in the length of the protein due to an in-frame deletion of one amino acid (serine) in a region with six-serine residue repeat. This variant resides within the Rag-binding domain (amino acids 110-133). (Martina JA et al., PMID: 24448649). Based on ACMG/AMP guidelines for variant interpretation (Richards S et al., PMID: 25741868), the clinical significance of this variant is classified as uncertain at this time.

NM_006521.6(TFE3):c.333_335del (p.Ser112del)

Gene: TFE3 (transcription factor binding to IGHM enhancer 3; minus strand). Cytogenetic location: Xp11.23.
Variant type: Deletion.
Coding change: c.333_335del on transcript NM_006521.6 (MANE Select); coding-DNA positions 333 to 335, 3 bases deleted (ATC; older notation c.333_335delATC).
Protein change: p.Ser112del; deletes serine 112.
Molecular consequence: inframe deletion.
Genome position (GRCh38, 1-based): chrX:49,039,306-49,039,308, GAT deleted on the plus strand (ATC on the coding strand, the reverse complement: TFE3 is on the minus strand); deleting any 3 consecutive bases within chrX:49,039,306-49,039,310 gives the same sequence; the c. name uses the placement nearest the transcript's 3' end. VCF-style (leftmost placement, unchanged base first): chrX-49039305-CGAT-C. GRCh37 (hg19) VCF-style: chrX-48896830-CGAT-C.
Other names: c.18_20del, p.Ser7del (NM_001282142.2); short protein forms S112del, S7del.
Identifiers: ClinVar variation 4879302 (VCV004879302.1).